The following is an entry in ClinVar:

ClinVar aggregate classification (germline): Uncertain significance (1 of 4 stars; one submission).

Submission:

Labcorp Genetics (formerly Invitae), Labcorp
Classification: Uncertain significance. Last evaluated: 2021-04-08. Review status: criteria provided, single submitter. Criteria: Invitae Variant Classification Sherloc (09022015). Collection method: clinical testing. Allele origin: germline.
Comment: Algorithms developed to predict the effect of missense changes on protein structure and function are either unavailable or do not agree on the potential impact of this missense change (SIFT: "Tolerated"; PolyPhen-2: "Not Available"; Align-GVGD: "Class C0"). In summary, the available evidence is currently insufficient to determine the role of this variant in disease. Therefore, it has been classified as a Variant of Uncertain Significance. This variant has been observed in individual(s) with clinical features of developmental and epileptic encephalopathy (Invitae). This variant is not present in population databases (ExAC no frequency). This sequence change replaces asparagine with serine at codon 1222 of the CYFIP2 protein (p.Asn1222Ser). The asparagine residue is highly conserved and there is a small physicochemical difference between asparagine and serine.

NM_001037333.3(CYFIP2):c.3665A>G (p.Asn1222Ser)

Genes: CYFIP2 (cytoplasmic FMR1 interacting protein 2; plus strand), NIPAL4-DT (NIPAL4 divergent transcript; minus strand). Cytogenetic location: 5q33.3.
Variant type: single nucleotide variant.
Coding change: c.3665A>G on transcript NM_001037333.3 (MANE Select); coding-DNA position 3665, A replaced by G.
Protein change: p.Asn1222Ser; replaces asparagine 1222 with serine.
Molecular consequence: missense variant.
Genome position (GRCh38, 1-based): chr5:157,392,903, A>G. VCF-style: chr5-157392903-A-G. GRCh37 (hg19) VCF-style: chr5-156819911-A-G.
Other names: c.3587A>G, p.Asn1196Ser (NM_001291721.2); c.3740A>G, p.Asn1247Ser (NM_001291722.2); c.3665A>G, p.Asn1222Ser (NM_014376.4); short protein forms N1222S, N1247S, N1196S.
Identifiers: ClinVar variation 1523344 (VCV001523344.8), dbSNP rs1561796993, ClinGen allele CA361983655.
Genomic context (GRCh38, chr5:157,392,903, plus strand): 5'-AGATGGCCGACCGGATCAGGAAGTATCAGATCTTGAACAATGAGGTTTTTGCCATCCTGA[A>G]CAAATACATGAAGTCCGTGGAGACAGACAGTTCCACTGTGGAGCATGTGCGCTGCTTCCA-3'
Protein context (NP_001032410.1, residues 1212-1232): ILNNEVFAIL[Asn1222Ser]KYMKSVETDS